The following is an entry in ClinVar:

ClinVar aggregate classification (germline): Likely pathogenic (1 of 4 stars; one submission).

Conditions:
ZTTK syndrome (ZTTKS). Also called: Zhu-Tokita-Takenouchi-Kim Syndrome; ZTTK MULTIPLE CONGENITAL ANOMALIES-MENTAL RETARDATION SYNDROME. Identifiers: Orphanet 500150, MedGen C4310696, MONDO:0014936, OMIM 617140.

Submission:

3billion
Classification: Likely pathogenic for ZTTK syndrome. Last evaluated: 2024-12-17. Review status: criteria provided, single submitter. Criteria: ACMG Guidelines, 2015. Collection method: clinical testing. Allele origin: germline. Affected: yes.
Comment: The variant is not observed in the gnomAD v4.1.0 dataset. Predicted Consequence/Location: Frameshift: predicted to result in a loss or disruption of normal protein function through nonsense-mediated decay (NMD) or protein truncation. Multiple pathogenic variants are reported downstream of the variant. Therefore, this variant is classified as Likely pathogenic according to the recommendation of ACMG/AMP guideline.

NM_138927.4(SON):c.1193del (p.Pro398fs)

Gene: SON (SON DNA and RNA binding protein; plus strand). Cytogenetic location: 21q22.11.
Variant type: Deletion.
Coding change: c.1193del on transcript NM_138927.4 (MANE Select); coding-DNA position 1193, one base deleted (C; older notation c.1193delC).
Protein change: p.Pro398fs; shifts the reading frame from proline 398.
Molecular consequence: frameshift variant. On other transcripts: non-coding transcript variant (1), intron variant (1).
Genome position (GRCh38, 1-based): chr21:33,550,424, C deleted; the last of 5 consecutive C bases (chr21:33,550,420-33,550,424); deleting any one gives the same sequence. VCF-style (leftmost placement, unchanged base first): chr21-33550419-GC-G. GRCh37 (hg19) VCF-style: chr21-34922725-GC-G.
Other names: c.1193del, p.Pro398fs (NM_001291411.2, NM_032195.3); c.244+4045del (NM_001291412.3); short protein forms P398fs.
Identifiers: ClinVar variation 4292533 (VCV004292533.1).